The following is an entry in ClinVar:

ClinVar aggregate classification (germline): Uncertain significance (1 of 4 stars; one submission).

Submission:

Labcorp Genetics (formerly Invitae), Labcorp
Classification: Uncertain significance. Last evaluated: 2022-09-27. Review status: criteria provided, single submitter. Criteria: Invitae Variant Classification Sherloc (09022015). Collection method: clinical testing. Allele origin: germline.
Comment: This sequence change replaces glutamic acid, which is acidic and polar, with valine, which is neutral and non-polar, at codon 121 of the FLAD1 protein (p.Glu121Val). Algorithms developed to predict the effect of missense changes on protein structure and function are either unavailable or do not agree on the potential impact of this missense change (SIFT: "Deleterious"; PolyPhen-2: "Probably Damaging"; Align-GVGD: "Class C0"). This variant has not been reported in the literature in individuals affected with FLAD1-related conditions. This variant is not present in population databases (gnomAD no frequency). In summary, the available evidence is currently insufficient to determine the role of this variant in disease. Therefore, it has been classified as a Variant of Uncertain Significance.

NM_025207.5(FLAD1):c.362A>T (p.Glu121Val)

Gene: FLAD1 (flavin adenine dinucleotide synthetase 1; plus strand). Cytogenetic location: 1q21.3.
Variant type: single nucleotide variant.
Coding change: c.362A>T on transcript NM_025207.5 (MANE Select); coding-DNA position 362, A replaced by T.
Protein change: p.Glu121Val; replaces glutamic acid 121 with valine.
Molecular consequence: missense variant. On other transcripts: 5 prime UTR variant (1).
Genome position (GRCh38, 1-based): chr1:154,984,056, A>T. VCF-style: chr1-154984056-A-T. GRCh37 (hg19) VCF-style: chr1-154956532-A-T.
Other names: c.71A>T, p.Glu24Val (NM_001184891.2, NM_201398.3); c.-575A>T (NM_001184892.2); short protein forms E24V, E121V.
Identifiers: ClinVar variation 2000199 (VCV002000199.4), dbSNP rs2525757275, ClinGen allele CA342738063.